The following is an entry in ClinVar:

ClinVar aggregate classification (germline): Pathogenic (1 of 4 stars; one submission).

Conditions:
Familial cancer of breast. Also called: BREAST CANCER, FAMILIAL; Hereditary breast cancer; hereditary breast carcinoma. Identifiers: Orphanet 227535, MedGen C0346153, MONDO:0016419, OMIM 114480. Disease mechanism: loss of function.

Submission:

Myriad Genetics, Inc.
Classification: Pathogenic for Familial cancer of breast. Last evaluated: 2024-01-08. Review status: criteria provided, single submitter. Criteria: Myriad Autosomal Dominant, Autosomal Recessive and X-Linked Classification Criteria (2023). Collection method: clinical testing. Allele origin: unknown.
Comment: This variant is considered pathogenic. This variant creates a termination codon and is predicted to result in premature protein truncation.

NM_000051.4(ATM):c.222_225del (p.Glu73_Cys74insTer)

Gene: ATM (ATM serine/threonine kinase; plus strand). Cytogenetic location: 11q22.3.
Variant type: Deletion.
Coding change: c.222_225del on transcript NM_000051.4 (MANE Select); coding-DNA positions 222 to 225, 4 bases deleted (TCTG; older notation c.222_225delTCTG).
Protein change: p.Glu73_Cys74insTer.
Molecular consequence: nonsense.
Genome position (GRCh38, 1-based): chr11:108,229,214-108,229,217, TCTG deleted; deleting any 4 consecutive bases within chr11:108,229,212-108,229,217 gives the same sequence; the c. name uses the placement nearest the transcript's 3' end. VCF-style (leftmost placement, unchanged base first): chr11-108229211-ATGTC-A. GRCh37 (hg19) VCF-style: chr11-108099938-ATGTC-A.
Other names: c.222_225del, p.Glu73_Cys74insTer (NM_001351834.2, NM_001351835.2, NM_001351836.2).
Identifiers: ClinVar variation 3148449 (VCV003148449.1), dbSNP rs2496919260, ClinGen allele CA2825001743.
Genomic context (GRCh38, chr11:108,229,211, plus strand): 5'-CTGAAATTGCATTTTGTTTTCTTGAAGATTTTTACAGAAATATATTCAGAAAGAAACAGA[ATGTC>A]TGAGAATAGCAAAACCAAATGTATCAGCCTCAACACAAGCCTCCAGGCAGAAAAAGATGC-3'